The following is an entry in ClinVar:

NM_003194.5(TBP):c.771T>C (p.Asn257=)

Gene: TBP (TATA-box binding protein; plus strand). Cytogenetic location: 6q27.
Variant type: single nucleotide variant.
Coding change: c.771T>C on transcript NM_003194.5 (MANE Select); coding-DNA position 771, T replaced by C.
Protein change: p.Asn257=; no amino-acid change (asparagine 257 retained).
Molecular consequence: synonymous variant.
Genome position (GRCh38, 1-based): chr6:170,569,705, T>C. VCF-style: chr6-170569705-T-C. GRCh37 (hg19) VCF-style: chr6-170878793-T-C.
Other names: p.Asn257=; c.711T>C, p.Asn237= (NM_001172085.2).
Identifiers: ClinVar variation 130561 (VCV000130561.8), dbSNP rs1042327, ClinGen allele CA155653.
Genomic context (GRCh38, chr6:170,569,705, plus strand): 5'-TGCTAGAGTTGTACAGAAGTTGGGTTTTCCAGCTAAGTTCTTGGACTTCAAGATTCAGAA[T>C]ATGGTGGGGAGCTGTGATGTGAAGTTTCCTATAAGGTTAGAAGGCCTTGTGCTCACCCAC-3'
Protein context (NP_003185.1, residues 247-267): PAKFLDFKIQ[Asn257=]MVGSCDVKFP

ClinVar aggregate classification (germline): Benign. Review status: criteria provided, multiple submitters, no conflicts (2 of 4 stars). 3 submissions from 3 submitters: Benign (2). 1 of the submissions does not count toward it. Last evaluated 2022-03-24.

Allele frequency attached by ClinVar (database versions not stated): gnomAD exomes 0.52506 and 0.51038; gnomAD 0.55570 and 0.55343; TOPMed 0.56474; 1000 Genomes Project 30x 0.61602; ESP Exome Variant Server 0.55359; 1000 Genomes Project 0.61462; ExAC 0.53191.
gnomAD v4.1: 831,095 of 1,613,554 alleles (52%); highest among the groups gnomAD compares: East Asian, 79%; 217,272 homozygotes.

Submissions (3):

Mayo Clinic Laboratories, Mayo Clinic
Classification: Benign. Last evaluated: 2022-03-24. Review status: criteria provided, single submitter. Criteria: ACMG Guidelines, 2015. Collection method: clinical testing. Allele origin: germline. Observed: 668 variant alleles.

GeneDx
Classification: Benign. Last evaluated: 2021-06-09. Review status: criteria provided, single submitter. Criteria: GeneDx Variant Classification Process June 2021. Collection method: clinical testing. Allele origin: germline. Affected: yes.

Genetic Services Laboratory, University of Chicago
Classification: Likely benign for AllHighlyPenetrant. Review status: no assertion criteria provided. Collection method: clinical testing. Allele origin: germline. Inheritance: Autosomal dominant inheritance. Not counted in ClinVar's aggregate classification.
Comment: Likely benign based on allele frequency in 1000 Genomes Project or ESP global frequency and its presence in a patient with a rare or unrelated disease phenotype. NOT Sanger confirmed.